The following is an entry in ClinVar:

NM_144643.4(SCLT1):c.1745C>T (p.Ala582Val)

Gene: SCLT1 (sodium channel and clathrin linker 1; minus strand). Cytogenetic location: 4q28.2.
Variant type: single nucleotide variant.
Coding change: c.1745C>T on transcript NM_144643.4 (MANE Select); coding-DNA position 1745, C replaced by T.
Protein change: p.Ala582Val; replaces alanine 582 with valine.
Molecular consequence: missense variant. On other transcripts: 3 prime UTR variant (1).
Genome position (GRCh38, 1-based): chr4:128,936,739, G>A on the plus strand (C>T on the coding strand, the complement: SCLT1 is on the minus strand). VCF-style: chr4-128936739-G-A. GRCh37 (hg19) VCF-style: chr4-129857894-G-A.
Other names: c.*82C>T (NM_001410807.1); short protein forms A582V.
Identifiers: ClinVar variation 3355716 (VCV003355716.1).
Genomic context (GRCh38, chr4:128,936,739, plus strand): 5'-GCACTTTCAGTAAGTTTCTTCGTTTCTTCTTTCCACCTATTGGCTGCCTTCTGTTGAGTC[G>A]CTAGGAGATGCCTCAGTTCAACAATGGAATTTCTATTACTGTCTTCCATCTCTCTCAATT-3'
Protein context (NP_653244.2, residues 572-592): NSIVELRHLL[Ala582Val]TQQKAANRWK

ClinVar aggregate classification (germline): Uncertain significance (0 of 4 stars; one submission).

Conditions:
SCLT1-related disorder. Also called: SCLT1-related condition.

gnomAD v4.1: 19 of 1,611,968 alleles (0.0012%); highest among the groups gnomAD compares: South Asian, 0.0099%; no homozygotes.

Submission:

PreventionGenetics, part of Exact Sciences
Classification: Uncertain significance for SCLT1-related condition. Last evaluated: 2024-07-18. Review status: no assertion criteria provided. Collection method: clinical testing. Allele origin: germline.
Comment: The SCLT1 c.1745C>T variant is predicted to result in the amino acid substitution p.Ala582Val. To our knowledge, this variant has not been reported in the literature. This variant is reported in 0.0016% of alleles in individuals of European (Non-Finnish) descent in gnomAD. At this time, the clinical significance of this variant is uncertain due to the absence of conclusive functional and genetic evidence.